The following is an entry in ClinVar:

ClinVar aggregate classification (germline): Uncertain significance. Review status: criteria provided, multiple submitters, no conflicts (2 of 4 stars). 2 submissions from 2 submitters: Uncertain significance (2). Last evaluated 2022-08-23.

Conditions:
Methylmalonic aciduria due to methylmalonyl-CoA mutase deficiency (MAMM). Also called: Methylmalonic aciduria, mut type. Identifiers: Orphanet 27, MedGen C1855114, MONDO:0009612, OMIM 251000.

Allele frequency attached by ClinVar (database versions not stated): TOPMed below 0.00001; gnomAD exomes 0.00001.
gnomAD v4.1: 15 of 1,613,832 alleles (0.00093%); highest among the groups gnomAD compares: East Asian, 0.0022%; no homozygotes.

Submissions (2):

Labcorp Genetics (formerly Invitae), Labcorp
Classification: Uncertain significance. Last evaluated: 2022-08-23. Review status: criteria provided, single submitter. Criteria: Invitae Variant Classification Sherloc (09022015). Collection method: clinical testing. Allele origin: germline.
Comment: This sequence change replaces arginine, which is basic and polar, with cysteine, which is neutral and slightly polar, at codon 610 of the MUT protein (p.Arg610Cys). This variant is present in population databases (rs770978452, gnomAD 0.004%). This variant has not been reported in the literature in individuals affected with MUT-related conditions. ClinVar contains an entry for this variant (Variation ID: 1483409). Algorithms developed to predict the effect of missense changes on protein structure and function output the following: SIFT: "Deleterious"; PolyPhen-2: "Benign"; Align-GVGD: "Class C15". The cysteine amino acid residue is found in multiple mammalian species, which suggests that this missense change does not adversely affect protein function. In summary, the available evidence is currently insufficient to determine the role of this variant in disease. Therefore, it has been classified as a Variant of Uncertain Significance.

Fulgent Genetics
Classification: Uncertain significance for Methylmalonic aciduria due to methylmalonyl-CoA mutase deficiency. Last evaluated: 2021-07-13. Review status: criteria provided, single submitter. Criteria: ACMG Guidelines, 2015. Collection method: clinical testing. Allele origin: unknown.

NM_000255.4(MMUT):c.1828C>T (p.Arg610Cys)

Gene: MMUT (methylmalonyl-CoA mutase; minus strand). Cytogenetic location: 6p12.3.
Variant type: single nucleotide variant.
Coding change: c.1828C>T on transcript NM_000255.4 (MANE Select); coding-DNA position 1828, C replaced by T.
Protein change: p.Arg610Cys; replaces arginine 610 with cysteine.
Molecular consequence: missense variant.
Genome position (GRCh38, 1-based): chr6:49,440,334, G>A on the plus strand (C>T on the coding strand, the complement: MMUT is on the minus strand). VCF-style: chr6-49440334-G-A. GRCh37 (hg19) VCF-style: chr6-49408047-G-A.
Other names: short protein forms R610C.
Identifiers: ClinVar variation 1483409 (VCV001483409.4), dbSNP rs770978452, ClinGen allele CA138795035.